The following is an entry in ClinVar:

NM_022918.4(TMEM135):c.722G>A (p.Arg241Lys)

Gene: TMEM135 (transmembrane protein 135; plus strand). Cytogenetic location: 11q14.2.
Variant type: single nucleotide variant.
Coding change: c.722G>A on transcript NM_022918.4 (MANE Select); coding-DNA position 722, G replaced by A.
Protein change: p.Arg241Lys; replaces arginine 241 with lysine.
Molecular consequence: missense variant. On other transcripts: non-coding transcript variant (1).
Genome position (GRCh38, 1-based): chr11:87,305,959, G>A. VCF-style: chr11-87305959-G-A. GRCh37 (hg19) VCF-style: chr11-87017001-G-A.
Other names: c.656G>A, p.Arg219Lys (NM_001168724.2); short protein forms R219K, R241K.
Identifiers: ClinVar variation 3040712 (VCV003040712.2), dbSNP rs146860039, ClinGen allele CA6218920.

ClinVar aggregate classification (germline): Likely benign (0 of 4 stars; one submission).

Conditions:
TMEM135-related disorder. Also called: TMEM135-related condition.

Allele frequency attached by ClinVar (database versions not stated): 1000 Genomes Project 30x 0.00031; 1000 Genomes Project 0.00040; TOPMed 0.00116; gnomAD 0.00122; ExAC 0.00128; ESP Exome Variant Server 0.00131.

Submission:

PreventionGenetics, part of Exact Sciences
Classification: Likely benign for TMEM135-related condition. Last evaluated: 2022-04-15. Review status: no assertion criteria provided. Collection method: clinical testing. Allele origin: germline.
Comment: This variant is classified as likely benign based on ACMG/AMP sequence variant interpretation guidelines (Richards et al. 2015 PMID: 25741868, with internal and published modifications).